The following is an entry in ClinVar:

NM_005633.4(SOS1):c.2616T>G (p.Leu872=)

Gene: SOS1 (SOS Ras/Rac guanine nucleotide exchange factor 1; minus strand). Cytogenetic location: 2p22.1.
Variant type: single nucleotide variant.
Coding change: c.2616T>G on transcript NM_005633.4 (MANE Select); coding-DNA position 2616, T replaced by G.
Protein change: p.Leu872=; no amino-acid change (leucine 872 retained).
Molecular consequence: synonymous variant.
Genome position (GRCh38, 1-based): chr2:39,007,088, A>C on the plus strand (T>G on the coding strand, the complement: SOS1 is on the minus strand). VCF-style: chr2-39007088-A-C. GRCh37 (hg19) VCF-style: chr2-39234229-A-C.
Other names: c.2595T>G, p.Leu865= (NM_001382394.1); c.2616T>G, p.Leu872= (NM_001382395.1).
Identifiers: ClinVar variation 1334209 (VCV001334209.8), dbSNP rs768058218, ClinGen allele CA1624375.

ClinVar aggregate classification (germline): Likely benign. Review status: criteria provided, multiple submitters, no conflicts (2 of 4 stars). 4 submissions from 4 submitters: Likely benign (3). 1 of the submissions does not count toward it. Last evaluated 2025-04-05.

Conditions:
SOS1-related disorder. Also called: SOS1-related condition.
Cardiovascular phenotype. Identifiers: MedGen CN230736.
RASopathy. Also called: Noonan spectrum disorder; rasopathies. Identifiers: Orphanet 536391, MedGen C5555857, MONDO:0021060.
Noonan syndrome and Noonan-related syndrome. Identifiers: Orphanet 98733, MedGen C5681679, MONDO:0020297.

Allele frequency attached by ClinVar (database versions not stated): TOPMed below 0.00001; gnomAD 0.00001; gnomAD exomes 0.00002 and 0.00003; ExAC 0.00005.
gnomAD v4.1: 27 of 1,610,042 alleles (0.0017%); highest among the groups gnomAD compares: South Asian, 0.026%; no homozygotes.

Submissions (4):

Ambry Genetics
Classification: Likely benign for Cardiovascular phenotype. Last evaluated: 2025-04-05. Review status: criteria provided, single submitter. Criteria: Ambry Variant Classification Scheme 2023. Collection method: clinical testing. Allele origin: germline.

Labcorp Genetics (formerly Invitae), Labcorp
Classification: Likely benign for RASopathy. Last evaluated: 2024-03-29. Review status: criteria provided, single submitter. Criteria: Invitae Variant Classification Sherloc (09022015). Collection method: clinical testing. Allele origin: germline.

Genome Diagnostics Laboratory, The Hospital for Sick Children
Classification: Likely benign for Noonan syndrome and Noonan-related syndrome. Last evaluated: 2020-03-01. Review status: criteria provided, single submitter. Criteria: ACMG Guidelines, 2015. Collection method: clinical testing. Allele origin: germline.

PreventionGenetics, part of Exact Sciences
Classification: Likely benign for SOS1-related condition. Last evaluated: 2024-01-26. Review status: no assertion criteria provided. Collection method: clinical testing. Allele origin: germline. Not counted in ClinVar's aggregate classification.
Comment: This variant is classified as likely benign based on ACMG/AMP sequence variant interpretation guidelines (Richards et al. 2015 PMID: 25741868, with internal and published modifications).